The following is an entry in ClinVar:

ClinVar aggregate classification (germline): Likely pathogenic (1 of 4 stars; one submission).

Conditions:
Perlman syndrome (PRLMNS). Identifiers: Orphanet 2849, MedGen C0796113, MONDO:0009965, OMIM 267000.

Allele frequency attached by ClinVar (database versions not stated): gnomAD exomes below 0.00001.
gnomAD v4.1: 6 of 1,613,712 alleles (0.00037%); highest among the groups gnomAD compares: Non-Finnish European, 0.00051%; no homozygotes.

Submission:

Labcorp Genetics (formerly Invitae), Labcorp
Classification: Likely pathogenic for Perlman syndrome. Last evaluated: 2023-06-09. Review status: criteria provided, single submitter. Criteria: Invitae Variant Classification Sherloc (09022015). Collection method: clinical testing. Allele origin: germline.
Comment: This sequence change affects a donor splice site in intron 18 of the DIS3L2 gene. It is expected to disrupt RNA splicing. Variants that disrupt the donor or acceptor splice site typically lead to a loss of protein function (PMID: 16199547), and loss-of-function variants in DIS3L2 are known to be pathogenic (PMID: 22306653, 28328139). This variant is not present in population databases (gnomAD no frequency). This variant has not been reported in the literature in individuals affected with DIS3L2-related conditions. Algorithms developed to predict the effect of sequence changes on RNA splicing suggest that this variant may disrupt the consensus splice site. In summary, the currently available evidence indicates that the variant is pathogenic, but additional data are needed to prove that conclusively. Therefore, this variant has been classified as Likely Pathogenic.

Literature cited by the submitters: PubMed 16199547; PubMed 22306653; PubMed 28328139.

NM_152383.5(DIS3L2):c.2289+2T>G

Gene: DIS3L2 (DIS3 like 3'-5' exoribonuclease 2; plus strand). Cytogenetic location: 2q37.1.
Variant type: single nucleotide variant.
Coding change: c.2289+2T>G on transcript NM_152383.5 (MANE Select); the canonical splice donor site of the intron after coding-DNA position 2289, T replaced by G.
Molecular consequence: splice donor variant. On other transcripts: intron variant (1).
Genome position (GRCh38, 1-based): chr2:232,334,501, T>G. VCF-style: chr2-232334501-T-G. GRCh37 (hg19) VCF-style: chr2-233199211-T-G.
Other names: c.1582-8844T>G (NM_001257281.2).
Identifiers: ClinVar variation 2918596 (VCV002918596.3), dbSNP rs2469448859, ClinGen allele CA350977891.
Genomic context (GRCh38, chr2:232,334,501, plus strand): 5'-TGGCGTCCAAGCGCGTGCAGGAGCTCAGTACCAGTCTCTTCTTTGCTGTTCTGGTCAAGG[T>G]GAGCCCTCCAGCCTGGTGCCCCTCACCTCCCTCTGGCTCCCGACCCTCCTGGGCACCTGC-3'